The following is an entry in ClinVar:

ClinVar aggregate classification (germline): Uncertain significance. Review status: criteria provided, multiple submitters, no conflicts (2 of 4 stars). 2 submissions from 2 submitters: Uncertain significance (2). Last evaluated 2022-04-30.

Conditions:
Warburg micro syndrome 1 (WARBM1). Identifiers: Orphanet 2510, MedGen C1838625, MONDO:0010822, OMIM 600118.

Allele frequency attached by ClinVar (database versions not stated): gnomAD exomes below 0.00001; TOPMed 0.00001.
gnomAD v4.1: 2 of 1,614,152 alleles (0.00012%); highest among the groups gnomAD compares: African/African-American, 0.0013%; no homozygotes.

Submissions (2):

Labcorp Genetics (formerly Invitae), Labcorp
Classification: Uncertain significance. Last evaluated: 2022-04-30. Review status: criteria provided, single submitter. Criteria: Invitae Variant Classification Sherloc (09022015). Collection method: clinical testing. Allele origin: germline.
Comment: This sequence change falls in intron 17 of the RAB3GAP1 gene. It does not directly change the encoded amino acid sequence of the RAB3GAP1 protein. It affects a nucleotide within the consensus splice site. In summary, the available evidence is currently insufficient to determine the role of this variant in disease. Therefore, it has been classified as a Variant of Uncertain Significance. Variants that disrupt the consensus splice site are a relatively common cause of aberrant splicing (PMID: 17576681, 9536098). Algorithms developed to predict the effect of sequence changes on RNA splicing suggest that this variant is not likely to affect RNA splicing. ClinVar contains an entry for this variant (Variation ID: 894358). This variant has not been reported in the literature in individuals affected with RAB3GAP1-related conditions. This variant is not present in population databases (gnomAD no frequency).

Illumina Laboratory Services, Illumina
Classification: Uncertain significance for Warburg micro syndrome 1. Last evaluated: 2018-02-02. Review status: criteria provided, single submitter. Criteria: ICSL Variant Classification Criteria 13 December 2019. Collection method: clinical testing. Allele origin: germline.

Literature cited by the submitters: PubMed 17576681 (cited by Labcorp Genetics (formerly Invitae), Labcorp); PubMed 9536098 (cited by Labcorp Genetics (formerly Invitae), Labcorp).

NM_012233.3(RAB3GAP1):c.1924-3C>T

Gene: RAB3GAP1 (RAB3 GTPase activating protein catalytic subunit 1; plus strand). Cytogenetic location: 2q21.3.
Variant type: single nucleotide variant.
Coding change: c.1924-3C>T on transcript NM_012233.3 (MANE Select); 3 bases into the intron before coding-DNA position 1924, C replaced by T.
Molecular consequence: intron variant.
Genome position (GRCh38, 1-based): chr2:135,150,366, C>T. VCF-style: chr2-135150366-C-T. GRCh37 (hg19) VCF-style: chr2-135907936-C-T.
Other names: c.1924-3C>T (NM_001172435.2).
Identifiers: ClinVar variation 894358 (VCV000894358.8), dbSNP rs984857143, ClinGen allele CA56578764.
Genomic context (GRCh38, chr2:135,150,366, plus strand): 5'-TTTTATGGTACTTCTTTTTCTAAAAAGGGCTGTTTATGAGCCTTGTCCTTTTGTGCTTCA[C>T]AGGAACCAGCACCTATGACAGAAGATCTGCTAGAAGAGCAGTCTGAAGTTTTAGCTAAAT-3'